The following is an entry in ClinVar:

NM_002968.3(SALL1):c.1183C>T (p.Gln395Ter)

Gene: SALL1 (spalt like transcription factor 1; minus strand). Cytogenetic location: 16q12.1.
Variant type: single nucleotide variant.
Coding change: c.1183C>T on transcript NM_002968.3 (MANE Select); coding-DNA position 1183, C replaced by T.
Protein change: p.Gln395Ter; replaces glutamine 395 with a stop codon.
Molecular consequence: nonsense.
Genome position (GRCh38, 1-based): chr16:51,141,039, G>A on the plus strand (C>T on the coding strand, the complement: SALL1 is on the minus strand). VCF-style: chr16-51141039-G-A. GRCh37 (hg19) VCF-style: chr16-51174950-G-A.
Other names: c.892C>T, p.Gln298Ter (NM_001127892.2); short protein forms Q395*, Q298*.
Identifiers: ClinVar variation 2694137 (VCV002694137.3), dbSNP rs2506493255, ClinGen allele CA395889223.

ClinVar aggregate classification (germline): Pathogenic (1 of 4 stars; one submission).

Conditions:
Townes syndrome (TBS). Also called: Townes-Brocks syndrome. Identifiers: Orphanet 857, MedGen C0265246, MeSH C536974, MONDO:0007142.

Submission:

Labcorp Genetics (formerly Invitae), Labcorp
Classification: Pathogenic for Townes syndrome. Last evaluated: 2024-01-25. Review status: criteria provided, single submitter. Criteria: Invitae Variant Classification Sherloc (09022015). Collection method: clinical testing. Allele origin: germline.
Comment: This sequence change creates a premature translational stop signal (p.Gln395*) in the SALL1 gene. It is expected to result in an absent or disrupted protein product. Loss-of-function variants in SALL1 are known to be pathogenic (PMID: 9973281, 12915476, 16088922, 23069192). This variant is not present in population databases (gnomAD no frequency). This variant has not been reported in the literature in individuals affected with SALL1-related conditions. For these reasons, this variant has been classified as Pathogenic.

Literature cited by the submitters: PubMed 9973281; PubMed 12915476; PubMed 16088922; PubMed 23069192.